The following is an entry in ClinVar:

NM_004638.4(PRRC2A):c.636G>T (p.Gly212=)

Gene: PRRC2A (proline rich coiled-coil 2A; plus strand). Cytogenetic location: 6p21.33.
Variant type: single nucleotide variant.
Coding change: c.636G>T on transcript NM_004638.4 (MANE Select); coding-DNA position 636, G replaced by T.
Protein change: p.Gly212=; no amino-acid change (glycine 212 retained).
Molecular consequence: synonymous variant.
Genome position (GRCh38, 1-based): chr6:31,625,488, G>T. VCF-style: chr6-31625488-G-T. GRCh37 (hg19) VCF-style: chr6-31593265-G-T.
Other names: c.636G>T, p.Gly212= (NM_080686.3).
Identifiers: ClinVar variation 3056017 (VCV003056017.2), dbSNP rs17200837, ClinGen allele CA3715138.

ClinVar aggregate classification (germline): Benign (0 of 4 stars; one submission).

Conditions:
PRRC2A-related disorder. Also called: PRRC2A-related condition.

Allele frequency attached by ClinVar (database versions not stated): 1000 Genomes Project 0.01358; 1000 Genomes Project 30x 0.01405; TOPMed 0.02714; gnomAD 0.02999; ESP Exome Variant Server 0.03168; ExAC 0.03370.

Submission:

PreventionGenetics, part of Exact Sciences
Classification: Benign for PRRC2A-related condition. Last evaluated: 2019-02-27. Review status: no assertion criteria provided. Collection method: clinical testing. Allele origin: germline.
Comment: This variant is classified as benign based on ACMG/AMP sequence variant interpretation guidelines (Richards et al. 2015 PMID: 25741868, with internal and published modifications).